The following is an entry in ClinVar:

ClinVar aggregate classification (germline): Benign. Review status: criteria provided, multiple submitters, no conflicts (2 of 4 stars). 4 submissions from 4 submitters: Benign (4). Last evaluated 2025-03-04.

Conditions:
Papillary renal cell carcinoma type 1 (RCCP1). Also called: RENAL CELL CARCINOMA, PAPILLARY, 1, SOMATIC; Renal adenocarcinoma; Renal cell carcinoma 1; Renal cell carcinoma, somatic. Identifiers: Orphanet 47044, MedGen C1336839, OMIM 605074, HP:0011797.

Allele frequency attached by ClinVar (database versions not stated): gnomAD exomes 0.00085; 1000 Genomes Project 0.00639; 1000 Genomes Project 30x 0.00671; ESP Exome Variant Server 0.00834; gnomAD 0.00978; TOPMed 0.01055.
gnomAD v4.1: 2,698 of 1,613,674 alleles (0.17%); highest among the groups gnomAD compares: African/African-American, 3.3%; 37 homozygotes.

Submissions (4):

Center for Genomic Medicine, Rigshospitalet, Copenhagen University Hospital
Classification: Benign. Last evaluated: 2025-03-04. Review status: criteria provided, single submitter. Criteria: ACMG Guidelines, 2015. Collection method: clinical testing. Allele origin: germline.

GeneDx
Classification: Benign. Last evaluated: 2018-05-25. Review status: criteria provided, single submitter. Criteria: GeneDx Variant Classification Process June 2021. Collection method: clinical testing. Allele origin: germline. Affected: yes.

Illumina Laboratory Services, Illumina
Classification: Benign for Papillary renal cell carcinoma type 1. Last evaluated: 2018-01-13. Review status: criteria provided, single submitter. Criteria: ICSL Variant Classification Criteria 13 December 2019. Collection method: clinical testing. Allele origin: germline.
Comment: This variant was observed in the ICSL laboratory as part of a predisposition screen in an ostensibly healthy population. It had not been previously curated by ICSL or reported in the Human Gene Mutation Database (HGMD: prior to June 1st, 2018), and was therefore a candidate for classification through an automated scoring system. Utilizing variant allele frequency, disease prevalence and penetrance estimates, and inheritance mode, an automated score was calculated to assess if this variant is too frequent to cause the disease. Based on the score and internal cut-off values, a variant classified as benign is not then subjected to further curation. The score for this variant resulted in a classification of benign for this disease.

Breakthrough Genomics
Classification: Benign. Review status: criteria provided, single submitter. Criteria: ACMG Guidelines, 2015. Collection method: not provided. Allele origin: germline. Inheritance: Autosomal recessive inheritance. Affected: yes.

NM_000245.4(MET):c.-14-13C>T

Gene: MET (MET proto-oncogene, receptor tyrosine kinase; plus strand). Cytogenetic location: 7q31.2.
Variant type: single nucleotide variant.
Coding change: c.-14-13C>T on transcript NM_000245.4 (MANE Select); 13 bases into the intron before 14 bases upstream of the start codon, C replaced by T.
Molecular consequence: intron variant.
Genome position (GRCh38, 1-based): chr7:116,699,058, C>T. VCF-style: chr7-116699058-C-T. GRCh37 (hg19) VCF-style: chr7-116339112-C-T.
Other names: c.-14-13C>T (NM_001127500.3, NM_001324401.3); c.-91+26481C>T (NM_001324402.2).
Identifiers: ClinVar variation 381955 (VCV000381955.10), dbSNP rs36080330, ClinGen allele CA4447925.
Genomic context (GRCh38, chr7:116,699,058, plus strand): 5'-ATGGTATAGGTCTTTCAGTTTTCTCTTCATTTCTGACAACTGAACTGCTCTCGCCTTGAA[C>T]CTGTTTTGGCAGATAAACCTCTCATAATGAAGGCCCCCGCTGTGCTTGCACCTGGCATCC-3'